The following is an entry in ClinVar:

NM_001164508.2(NEB):c.8047C>A (p.Gln2683Lys)

Gene: NEB (nebulin; minus strand). Cytogenetic location: 2q23.3.
Variant type: single nucleotide variant.
Coding change: c.8047C>A on transcript NM_001164508.2 (MANE Select); coding-DNA position 8047, C replaced by A.
Protein change: p.Gln2683Lys; replaces glutamine 2683 with lysine.
Molecular consequence: missense variant.
Genome position (GRCh38, 1-based): chr2:151,643,263, G>T on the plus strand (C>A on the coding strand, the complement: NEB is on the minus strand). VCF-style: chr2-151643263-G-T. GRCh37 (hg19) VCF-style: chr2-152499777-G-T.
Other names: c.8047C>A, p.Gln2683Lys (NM_001164507.2, NM_001271208.2, NM_004543.5); short protein forms Q2683K.
Identifiers: ClinVar variation 1401880 (VCV001401880.8), dbSNP rs2154114662, ClinGen allele CA348813631.

ClinVar aggregate classification (germline): Uncertain significance (1 of 4 stars; one submission).

Conditions:
Nemaline myopathy 2 (NEM2). Also called: Nemaline myopathy 2, autosomal recessive. Identifiers: MedGen C1850569, MONDO:0009725, OMIM 256030.

Submission:

Labcorp Genetics (formerly Invitae), Labcorp
Classification: Uncertain significance for Nemaline myopathy 2. Last evaluated: 2022-08-16. Review status: criteria provided, single submitter. Criteria: Invitae Variant Classification Sherloc (09022015). Collection method: clinical testing. Allele origin: germline.
Comment: This sequence change replaces glutamine, which is neutral and polar, with lysine, which is basic and polar, at codon 2683 of the NEB protein (p.Gln2683Lys). This variant is not present in population databases (gnomAD no frequency). This variant has not been reported in the literature in individuals affected with NEB-related conditions. ClinVar contains an entry for this variant (Variation ID: 1401880). Algorithms developed to predict the effect of missense changes on protein structure and function are either unavailable or do not agree on the potential impact of this missense change (SIFT: "Tolerated"; PolyPhen-2: "Not Available"; Align-GVGD: "Class C0"). In summary, the available evidence is currently insufficient to determine the role of this variant in disease. Therefore, it has been classified as a Variant of Uncertain Significance.